The following is an entry in ClinVar:

ClinVar aggregate classification (germline): Uncertain significance (0 of 4 stars; one submission).

Conditions:
SETD1B-related disorder. Also called: SETD1B-related condition.

Submission:

PreventionGenetics, part of Exact Sciences
Classification: Uncertain significance for SETD1B-related condition. Last evaluated: 2024-07-12. Review status: no assertion criteria provided. Collection method: clinical testing. Allele origin: germline.
Comment: The SETD1B c.2938C>T variant is predicted to result in the amino acid substitution p.Arg980Trp. To our knowledge, this variant has not been reported in the literature or in a large population database, indicating this variant is rare. At this time, the clinical significance of this variant is uncertain due to the absence of conclusive functional and genetic evidence.

NM_001353345.2(SETD1B):c.2938C>T (p.Arg980Trp)

Gene: SETD1B (SET domain containing 1B, histone lysine methyltransferase; plus strand). Cytogenetic location: 12q24.31.
Variant type: single nucleotide variant.
Coding change: c.2938C>T on transcript NM_001353345.2 (MANE Select); coding-DNA position 2938, C replaced by T.
Protein change: p.Arg980Trp; replaces arginine 980 with tryptophan.
Molecular consequence: missense variant.
Genome position (GRCh38, 1-based): chr12:121,817,255, C>T. VCF-style: chr12-121817255-C-T. GRCh37 (hg19) VCF-style: chr12-122255161-C-T.
Other names: short protein forms R980W.
Identifiers: ClinVar variation 3346049 (VCV003346049.1).